The following is an entry in ClinVar:

ClinVar aggregate classification (germline): Uncertain significance (1 of 4 stars; one submission).

Conditions:
Neuronal ceroid lipofuscinosis. Also called: Neuronal Ceroid Lipofuscinoses. Identifiers: Orphanet 216, Orphanet 79263, MedGen C0027877, MONDO:0016295. Disease mechanism: loss of function.

Submission:

Labcorp Genetics (formerly Invitae), Labcorp
Classification: Uncertain significance for Neuronal ceroid lipofuscinosis. Last evaluated: 2022-06-05. Review status: criteria provided, single submitter. Criteria: Invitae Variant Classification Sherloc (09022015). Collection method: clinical testing. Allele origin: germline.
Comment: In summary, the available evidence is currently insufficient to determine the role of this variant in disease. Therefore, it has been classified as a Variant of Uncertain Significance. Experimental studies and prediction algorithms are not available or were not evaluated, and the functional significance of this variant is currently unknown. ClinVar contains an entry for this variant (Variation ID: 1495677). This variant has not been reported in the literature in individuals affected with CLN6-related conditions. Information on the frequency of this variant in the gnomAD database is not available, as this variant may be reported differently in the database. This sequence change replaces serine, which is neutral and polar, with arginine, which is basic and polar, at codon 308 of the CLN6 protein (p.Ser308Arg).

NM_017882.3(CLN6):c.921_922delinsTC (p.Ser308Arg)

Gene: CLN6 (CLN6 transmembrane ER protein; minus strand). Cytogenetic location: 15q23.
Variant type: Indel.
Coding change: c.921_922delinsTC on transcript NM_017882.3 (MANE Select); coding-DNA positions 921 to 922, CA replaced by TC.
Protein change: p.Ser308Arg; replaces serine 308 with arginine.
Molecular consequence: missense variant.
Genome position (GRCh38, 1-based): chr15:68,208,154-68,208,155, TG replaced by GA on the plus strand (CA replaced by TC on the coding strand, the reverse complement: CLN6 is on the minus strand). VCF-style: chr15-68208154-TG-GA. GRCh37 (hg19) VCF-style: chr15-68500492-TG-GA.
Other names: short protein forms S308R.
Identifiers: ClinVar variation 1495677 (VCV001495677.6), dbSNP rs2141135839, ClinGen allele CA2573151114.